The following is an entry in ClinVar:

ClinVar aggregate classification (germline): Benign (1 of 4 stars; one submission).

Allele frequency attached by ClinVar (database versions not stated): 1000 Genomes Project 0.13299; 1000 Genomes Project 30x 0.13804; TOPMed 0.19802; gnomAD 0.19874.
gnomAD v4.1: 29,438 of 152,134 alleles (19%); highest among the groups gnomAD compares: African/African-American, 28%; 3,271 homozygotes.

Submission:

GeneDx
Classification: Benign. Last evaluated: 2018-06-16. Review status: criteria provided, single submitter. Criteria: GeneDx Variant Classification (06012015). Collection method: clinical testing. Allele origin: germline. Affected: yes.
Comment: This variant is considered likely benign or benign based on one or more of the following criteria: it is a conservative change, it occurs at a poorly conserved position in the protein, it is predicted to be benign by multiple in silico algorithms, and/or has population frequency not consistent with disease.

NM_000257.4(MYH7):c.3972+203G>A

Gene: MYH7 (myosin heavy chain 7; minus strand). Cytogenetic location: 14q11.2.
Variant type: single nucleotide variant.
Coding change: c.3972+203G>A on transcript NM_000257.4 (MANE Select); 203 bases into the intron after coding-DNA position 3972, G replaced by A.
Molecular consequence: intron variant.
Genome position (GRCh38, 1-based): chr14:23,418,974, C>T on the plus strand (G>A on the coding strand, the complement: MYH7 is on the minus strand). VCF-style: chr14-23418974-C-T. GRCh37 (hg19) VCF-style: chr14-23888183-C-T.
Identifiers: ClinVar variation 674271 (VCV000674271.1), dbSNP rs28631169, ClinGen allele CA13974492.